The following is an entry in ClinVar:

ClinVar aggregate classification (germline): Benign. Review status: criteria provided, multiple submitters, no conflicts (2 of 4 stars). 3 submissions from 3 submitters: Benign (2). 1 of the submissions does not count toward it. Last evaluated 2026-01-17.

Conditions:
ATP2B2-related disorder. Also called: ATP2B2-related condition.

Allele frequency attached by ClinVar (database versions not stated): gnomAD exomes 0.00092 and 0.00219; ExAC 0.00285; gnomAD 0.00832 and 0.00903; 1000 Genomes Project 30x 0.00859; 1000 Genomes Project 0.00919; ESP Exome Variant Server 0.00953; TOPMed 0.00979.
gnomAD v4.1: 2,666 of 1,614,166 alleles (0.17%); highest among the groups gnomAD compares: African/African-American, 3%; 42 homozygotes.

Submissions (3):

Labcorp Genetics (formerly Invitae), Labcorp
Classification: Benign. Last evaluated: 2026-01-17. Review status: criteria provided, single submitter. Criteria: Invitae Variant Classification Sherloc (09022015). Collection method: clinical testing. Allele origin: germline.

Breakthrough Genomics
Classification: Benign. Review status: criteria provided, single submitter. Criteria: ACMG Guidelines, 2015. Collection method: not provided. Allele origin: germline. Inheritance: Autosomal recessive inheritance. Affected: yes.

PreventionGenetics, part of Exact Sciences
Classification: Benign for ATP2B2-related condition. Last evaluated: 2019-07-15. Review status: no assertion criteria provided. Collection method: clinical testing. Allele origin: germline. Not counted in ClinVar's aggregate classification.
Comment: This variant is classified as benign based on ACMG/AMP sequence variant interpretation guidelines (Richards et al. 2015 PMID: 25741868, with internal and published modifications).

NM_001001331.4(ATP2B2):c.3354C>T (p.His1118=)

Gene: ATP2B2 (ATPase plasma membrane Ca2+ transporting 2; minus strand). Cytogenetic location: 3p25.3.
Variant type: single nucleotide variant.
Coding change: c.3354C>T on transcript NM_001001331.4 (MANE Select); coding-DNA position 3354, C replaced by T.
Protein change: p.His1118=; no amino-acid change (histidine 1118 retained).
Molecular consequence: synonymous variant.
Genome position (GRCh38, 1-based): chr3:10,338,242, G>A on the plus strand (C>T on the coding strand, the complement: ATP2B2 is on the minus strand). VCF-style: chr3-10338242-G-A. GRCh37 (hg19) VCF-style: chr3-10379926-G-A.
Other names: c.3219C>T, p.His1073= (NM_001330611.3, NM_001353564.1, NM_001363862.1 and 1 more transcripts).
Identifiers: ClinVar variation 710915 (VCV000710915.13), dbSNP rs142799327, ClinGen allele CA2253124.
Genomic context (GRCh38, chr3:10,338,242, plus strand): 5'-CTGGATCCGATTCAGGCCTCGGAACCACAGGATCTGGCCCCGCCGCAGCTCCCGCTCCGC[G>A]TGGTCGATCTCCTCCACGTCCTCGTTGAGCTCCTCCTCCGGGATCTCCTCCTTCTGTGTG-3'
Protein context (NP_001001331.1, residues 1108-1128): ELNEDVEEID[His1118=]AERELRRGQI